The following is an entry in ClinVar:

ClinVar aggregate classification (germline): Uncertain significance. Review status: criteria provided, multiple submitters, no conflicts (2 of 4 stars). 2 submissions from 2 submitters: Uncertain significance (2). Last evaluated 2023-10-20.

Conditions:
Cardiovascular phenotype. Identifiers: MedGen CN230736.

Submissions (2):

Ambry Genetics
Classification: Uncertain significance for Cardiovascular phenotype. Last evaluated: 2023-10-20. Review status: criteria provided, single submitter. Criteria: Ambry Variant Classification Scheme 2023. Collection method: clinical testing. Allele origin: germline.
Comment: The p.P477L variant (also known as c.1430C>T), located in coding exon 12 of the JAG1 gene, results from a C to T substitution at nucleotide position 1430. The proline at codon 477 is replaced by leucine, an amino acid with similar properties. This amino acid position is conserved. In addition, the in silico prediction for this alteration is inconclusive. Since supporting evidence is limited at this time, the clinical significance of this alteration remains unclear.

Eurofins Ntd Llc (ga)
Classification: Uncertain significance. Last evaluated: 2016-09-27. Review status: criteria provided, single submitter. Criteria: EGL Classification Definitions 2015. Collection method: clinical testing. Allele origin: germline. Observed: 1 variant allele, 1 heterozygote.

NM_000214.3(JAG1):c.1430C>T (p.Pro477Leu)

Gene: JAG1 (jagged canonical Notch ligand 1; minus strand). Cytogenetic location: 20p12.2.
Variant type: single nucleotide variant.
Coding change: c.1430C>T on transcript NM_000214.3 (MANE Select); coding-DNA position 1430, C replaced by T.
Protein change: p.Pro477Leu; replaces proline 477 with leucine.
Molecular consequence: missense variant.
Genome position (GRCh38, 1-based): chr20:10,648,688, G>A on the plus strand (C>T on the coding strand, the complement: JAG1 is on the minus strand). VCF-style: chr20-10648688-G-A. GRCh37 (hg19) VCF-style: chr20-10629336-G-A.
Other names: c.1430C>T, p.Pro477Leu (LRG_1191t1); c.1430C>T (NM_000214.2); short protein forms P477L.
Identifiers: ClinVar variation 497631 (VCV000497631.6), dbSNP rs1555828655, ClinGen allele CA408237872.
Genomic context (GRCh38, chr20:10,648,688, plus strand): 5'-AAACAGGGGTTGCTGGCACATTCATCGATGTCTCTCTCACAGTGATCGCCTGCATAGCCA[G>A]GTGGACAGATACAGCGATAACCATTAACCAAATCCTAGAAGAGGAGAAGGGGAGAGAGAG-3'
Protein context (NP_000205.1, residues 467-487): LVNGYRCICP[Pro477Leu]GYAGDHCERD